The following is an entry in ClinVar:

ClinVar aggregate classification (germline): Likely benign. Review status: criteria provided, single submitter (1 of 4 stars). 2 submissions from 2 submitters: Likely benign (1). 1 of the submissions does not count toward it. Last evaluated 2023-09-26.

Conditions:
TRAK1-related disorder. Also called: TRAK1-related condition.

Allele frequency attached by ClinVar (database versions not stated): ExAC 0.00017; TOPMed 0.00029; ESP Exome Variant Server 0.00031; gnomAD 0.00032.
gnomAD v4.1: 532 of 1,613,888 alleles (0.033%); highest among the groups gnomAD compares: Non-Finnish European, 0.043%; 1 homozygote.

Submissions (2):

Blueprint Genetics
Classification: Likely benign. Last evaluated: 2023-09-26. Review status: criteria provided, single submitter. Criteria: ACMG Guidelines, 2015. Collection method: clinical testing. Allele origin: germline.

PreventionGenetics, part of Exact Sciences
Classification: Likely benign for TRAK1-related condition. Last evaluated: 2019-06-27. Review status: no assertion criteria provided. Collection method: clinical testing. Allele origin: germline. Not counted in ClinVar's aggregate classification.
Comment: This variant is classified as likely benign based on ACMG/AMP sequence variant interpretation guidelines (Richards et al. 2015 PMID: 25741868, with internal and published modifications).

NM_001042646.3(TRAK1):c.287-16460C>A

Gene: TRAK1 (trafficking kinesin protein 1; plus strand). Cytogenetic location: 3p22.1.
Variant type: single nucleotide variant.
Coding change: c.287-16460C>A on transcript NM_001042646.3 (MANE Select); 16460 bases into the intron before coding-DNA position 287, C replaced by A.
Molecular consequence: intron variant. On other transcripts: 5 prime UTR variant (2).
Genome position (GRCh38, 1-based): chr3:42,160,354, C>A. VCF-style: chr3-42160354-C-A. GRCh37 (hg19) VCF-style: chr3-42201846-C-A.
Other names: c.-8C>A (NM_001410741.1, NM_014965.5); c.-26-16460C>A (NM_001349245.1); c.287-16460C>A (NM_001349247.2, NM_001349246.2, NM_001265608.2); c.64+10755C>A (NM_001349249.1, NM_001349248.1, NM_001265609.2 and 1 more transcripts).
Identifiers: ClinVar variation 3043408 (VCV003043408.3), dbSNP rs374936361, ClinGen allele CA2333009.